The following is an entry in ClinVar:

ClinVar aggregate classification (germline): Uncertain significance (1 of 4 stars; one submission).

Submission:

Labcorp Genetics (formerly Invitae), Labcorp
Classification: Uncertain significance. Last evaluated: 2025-10-09. Review status: criteria provided, single submitter. Criteria: Invitae Variant Classification Sherloc (09022015). Collection method: clinical testing. Allele origin: germline.
Comment: This sequence change replaces glutamic acid, which is acidic and polar, with glutamine, which is neutral and polar, at codon 383 of the ADNP protein (p.Glu383Gln). This variant is present in population databases (rs769022567, gnomAD no frequency). This variant has not been reported in the literature in individuals affected with ADNP-related conditions. An algorithm developed to predict the effect of missense changes on protein structure and function (PolyPhen-2) suggests that this variant is likely to be tolerated. In summary, the available evidence is currently insufficient to determine the role of this variant in disease. Therefore, it has been classified as a Variant of Uncertain Significance.

NM_001282531.3(ADNP):c.1147G>C (p.Glu383Gln)

Gene: ADNP (activity dependent neuroprotector homeobox; minus strand). Cytogenetic location: 20q13.13.
Variant type: single nucleotide variant.
Coding change: c.1147G>C on transcript NM_001282531.3 (MANE Select); coding-DNA position 1147, G replaced by C.
Protein change: p.Glu383Gln; replaces glutamic acid 383 with glutamine.
Molecular consequence: missense variant.
Genome position (GRCh38, 1-based): chr20:50,893,567, C>G on the plus strand (G>C on the coding strand, the complement: ADNP is on the minus strand). VCF-style: chr20-50893567-C-G. GRCh37 (hg19) VCF-style: chr20-49510104-C-G.
Other names: c.1147G>C, p.Glu383Gln (NM_001282532.2, NM_001347511.2, NM_015339.5 and 1 more transcripts); c.1363G>C, p.Glu455Gln (NM_001439000.1); c.463G>C, p.Glu155Gln (NM_001439001.1); short protein forms E155Q, E383Q, E455Q.
Identifiers: ClinVar variation 4764676 (VCV004764676.1).